The following is an entry in ClinVar:

NM_004448.4(ERBB2):c.677G>A (p.Arg226His)

Gene: ERBB2 (erb-b2 receptor tyrosine kinase 2; plus strand). Cytogenetic location: 17q12.
Variant type: single nucleotide variant.
Coding change: c.677G>A on transcript NM_004448.4 (MANE Select); coding-DNA position 677, G replaced by A.
Protein change: p.Arg226His; replaces arginine 226 with histidine.
Molecular consequence: missense variant. On other transcripts: non-coding transcript variant (1), intron variant (2).
Genome position (GRCh38, 1-based): chr17:39,710,119, G>A. VCF-style: chr17-39710119-G-A. GRCh37 (hg19) VCF-style: chr17-37866372-G-A.
Other names: c.587G>A, p.Arg196His (NM_001005862.3, NM_001289938.2, NM_001382782.1 and 1 more transcripts); c.632G>A, p.Arg211His (NM_001289936.2); c.677G>A, p.Arg226His (NM_001289937.2, NM_001382784.1, NM_001382785.1 and 16 more transcripts); c.752G>A, p.Arg251His (NM_001382787.1); c.668G>A, p.Arg223His (NM_001382791.1); c.497G>A, p.Arg166His (NM_001382799.1); c.643+238G>A (NM_001382802.1); c.74-1809G>A (NM_001382804.1); short protein forms R196H, R211H, R166H, R223H, R226H, R251H.
Identifiers: ClinVar variation 2170626 (VCV002170626.4), dbSNP rs745625627, ClinGen allele CA8533710.

ClinVar aggregate classification (germline): Uncertain significance (1 of 4 stars; one submission).

Allele frequency attached by ClinVar (database versions not stated): gnomAD 0.00001; ExAC 0.00002; TOPMed 0.00002.
gnomAD v4.1: 33 of 1,609,888 alleles (0.002%); highest among the groups gnomAD compares: Non-Finnish European, 0.0025%; no homozygotes.

Submission:

Labcorp Genetics (formerly Invitae), Labcorp
Classification: Uncertain significance. Last evaluated: 2023-11-29. Review status: criteria provided, single submitter. Criteria: Invitae Variant Classification Sherloc (09022015). Collection method: clinical testing. Allele origin: germline.
Comment: This sequence change replaces arginine, which is basic and polar, with histidine, which is basic and polar, at codon 226 of the ERBB2 protein (p.Arg226His). This variant is present in population databases (rs745625627, gnomAD 0.005%). This variant has not been reported in the literature in individuals affected with ERBB2-related conditions. ClinVar contains an entry for this variant (Variation ID: 2170626). An algorithm developed to predict the effect of missense changes on protein structure and function (PolyPhen-2) suggests that this variant is likely to be disruptive. In summary, the available evidence is currently insufficient to determine the role of this variant in disease. Therefore, it has been classified as a Variant of Uncertain Significance.